The following is an entry in ClinVar:

ClinVar aggregate classification (germline): Uncertain significance (1 of 4 stars; one submission).

Conditions:
Familial cancer of breast. Also called: hereditary breast carcinoma; BREAST CANCER, FAMILIAL; Hereditary breast cancer. Identifiers: Orphanet 227535, MedGen C0346153, MONDO:0016419, OMIM 114480. Disease mechanism: loss of function.

Submission:

Labcorp Genetics (formerly Invitae), Labcorp
Classification: Uncertain significance for Familial cancer of breast. Last evaluated: 2021-06-04. Review status: criteria provided, single submitter. Criteria: Invitae Variant Classification Sherloc (09022015). Collection method: clinical testing. Allele origin: germline.
Comment: In summary, the available evidence is currently insufficient to determine the role of this variant in disease. Therefore, it has been classified as a Variant of Uncertain Significance. This variant, c.1869_1874del, results in the deletion of 2 amino acids of the PALB2 protein (p.Leu624_Glu625del), but otherwise preserves the integrity of the reading frame. This variant is not present in population databases (ExAC no frequency). This variant has not been reported in the literature in individuals with PALB2-related disease. Experimental studies and prediction algorithms are not available for this variant, and the functional significance of the deleted amino acids is currently unknown.

NM_024675.4(PALB2):c.1869_1874del (p.Leu624_Glu625del)

Gene: PALB2 (partner and localizer of BRCA2; minus strand). Cytogenetic location: 16p12.2.
Variant type: Deletion.
Coding change: c.1869_1874del on transcript NM_024675.4 (MANE Select); coding-DNA positions 1869 to 1874, 6 bases deleted (GCTTGA; older notation c.1869_1874delGCTTGA).
Protein change: p.Leu624_Glu625del.
Molecular consequence: inframe deletion.
Genome position (GRCh38, 1-based): chr16:23,630,280-23,630,285, TCAAGC deleted on the plus strand (GCTTGA on the coding strand, the reverse complement: PALB2 is on the minus strand); deleting any 6 consecutive bases within chr16:23,630,280-23,630,286 gives the same sequence; the c. name uses the placement nearest the transcript's 3' end. VCF-style (leftmost placement, unchanged base first): chr16-23630279-TTCAAGC-T. GRCh37 (hg19) VCF-style: chr16-23641600-TTCAAGC-T.
Other names: c.1869_1874delGCTTGA (NM_024675.3).
Identifiers: ClinVar variation 572019 (VCV000572019.9), dbSNP rs1567218638, ClinGen allele CA891844519.
Genomic context (GRCh38, chr16:23,630,279, plus strand): 5'-CTCTCCAAACATTTTTGACTCAAAGGGCTCCACTGGTTTTTCTGAGCAGGACTTCACTTT[TTCAAGC>T]TTAAGAGGTCCAAAGTCTTCATCAGGTAACTGAAAGTCTGTGATACTGAGAAAAGACAGT-3'